The following is an entry in ClinVar:

ClinVar aggregate classification (germline): Benign/Likely benign. Review status: criteria provided, multiple submitters, no conflicts (2 of 4 stars). 13 submissions from 13 submitters: Benign (5); Likely benign (6). 2 of the submissions do not count toward it. Last evaluated 2026-09-01.

Conditions:
Autoinflammatory syndrome. Identifiers: Orphanet 93665, MedGen C3890737, MONDO:0019751.
Familial hemophagocytic lymphohistiocytosis 3 (FHL3). Also called: UNC13D-Related Familial Hemophagocytic Lymphohistiocytosis (UNC13D-fHLH). Identifiers: Orphanet 540, MedGen C1837174, MONDO:0012146, OMIM 608898.

Allele frequency attached by ClinVar (database versions not stated): 1000 Genomes Project 30x 0.00968; 1000 Genomes Project 0.01038; TOPMed 0.01567; ESP Exome Variant Server 0.01587; gnomAD 0.01713 and 0.01714; gnomAD exomes 0.01895; ExAC 0.02986.
gnomAD v4.1: 32,119 of 1,588,302 alleles (2%); highest among the groups gnomAD compares: Middle Eastern, 3.6%; 390 homozygotes.

Submissions (13):

CeGaT Center for Human Genetics Tuebingen
Classification: Benign. Last evaluated: 2026-09-01. Review status: criteria provided, single submitter. Criteria: CeGaT Center For Human Genetics Tuebingen Variant Classification Criteria Version 2. Collection method: clinical testing. Allele origin: germline. Affected: yes. Observed: 6 variant alleles.
Comment: UNC13D: PM5, BP4, BS1, BS2

Labcorp Genetics (formerly Invitae), Labcorp
Classification: Benign for Familial hemophagocytic lymphohistiocytosis 3. Last evaluated: 2026-02-04. Review status: criteria provided, single submitter. Criteria: Invitae Variant Classification Sherloc (09022015). Collection method: clinical testing. Allele origin: germline.

Blueprint Genetics
Classification: Likely benign. Last evaluated: 2024-11-28. Review status: criteria provided, single submitter. Criteria: ACMG Guidelines, 2015. Collection method: clinical testing. Allele origin: germline.

GeneDx
Classification: Likely benign. Last evaluated: 2023-06-20. Review status: criteria provided, single submitter. Criteria: GeneDx Variant Classification Process June 2021. Collection method: clinical testing. Allele origin: germline. Affected: yes.
Comment: See Variant Classification Assertion Criteria.

Mayo Clinic Laboratories, Mayo Clinic
Classification: Benign. Last evaluated: 2023-05-11. Review status: criteria provided, single submitter. Criteria: ACMG Guidelines, 2015. Collection method: clinical testing. Allele origin: germline. Observed: 39 variant alleles.
Comment: BS1, BS2

Genome Diagnostics Laboratory, The Hospital for Sick Children
Classification: Benign for Autoinflammatory syndrome. Last evaluated: 2022-01-20. Review status: criteria provided, single submitter. Criteria: ACMG Guidelines, 2015. Collection method: clinical testing. Allele origin: germline. Affected: yes.

Women's Health and Genetics/Laboratory Corporation of America, LabCorp
Classification: Likely benign. Last evaluated: 2021-12-10. Review status: criteria provided, single submitter. Criteria: LabCorp Variant Classification Summary - May 2015. Collection method: clinical testing. Allele origin: germline.

Illumina Laboratory Services, Illumina
Classification: Benign for Familial hemophagocytic lymphohistiocytosis 3. Last evaluated: 2018-03-06. Review status: criteria provided, single submitter. Criteria: ICSL Variant Classification Criteria 13 December 2019. Collection method: clinical testing. Allele origin: germline.
Comment: This variant was observed in the ICSL laboratory as part of a predisposition screen in an ostensibly healthy population. It had not been previously curated by ICSL or reported in the Human Gene Mutation Database (HGMD: prior to June 1st, 2018), and was therefore a candidate for classification through an automated scoring system. Utilizing variant allele frequency, disease prevalence and penetrance estimates, and inheritance mode, an automated score was calculated to assess if this variant is too frequent to cause the disease. Based on the score and internal cut-off values, a variant classified as benign is not then subjected to further curation. The score for this variant resulted in a classification of benign for this disease.

Laboratory for Molecular Medicine, Mass General Brigham Personalized Medicine
Classification: Likely benign. Last evaluated: 2016-03-29. Review status: criteria provided, single submitter. Criteria: LMM Criteria. Collection method: clinical testing. Allele origin: germline.
Comment: Variant identified in a genome or exome case(s) and assessed due to predicted null impact of the variant or pathogenic assertions in the literature or databases. Disclaimer: This variant has not undergone full assessment. The following are preliminary notes: Not present in FAST (due to DM? classification). ExAC: 4.7% (56/1194) Finnish

Breakthrough Genomics
Classification: Likely benign. Review status: criteria provided, single submitter. Criteria: ACMG Guidelines, 2015. Collection method: not provided. Allele origin: germline. Inheritance: Autosomal recessive inheritance. Affected: yes.

PreventionGenetics, part of Exact Sciences
Classification: Likely benign. Review status: criteria provided, single submitter. Criteria: ACMG Guidelines, 2015. Collection method: clinical testing. Allele origin: germline.

Genome Diagnostics Laboratory, University Medical Center Utrecht
Classification: Likely benign. Review status: no assertion criteria provided. Collection method: clinical testing. Allele origin: germline. Affected: yes. Study: VKGL Data-share Consensus. Not counted in ClinVar's aggregate classification.

Laboratory of Diagnostic Genome Analysis, Leiden University Medical Center (LUMC)
Classification: Likely benign. Review status: no assertion criteria provided. Collection method: clinical testing. Allele origin: germline. Affected: yes. Study: VKGL Data-share Consensus. Not counted in ClinVar's aggregate classification.

Literature cited by the submitters: PubMed 16825436 (cited by Mayo Clinic Laboratories, Mayo Clinic); PubMed 23840885 (cited by Mayo Clinic Laboratories, Mayo Clinic).

NM_199242.3(UNC13D):c.2782C>T (p.Arg928Cys)

Genes: UNC13D (unc-13 homolog D; minus strand), LOC112533672 (Sharpr-MPRA regulatory region 1193; plus strand). Cytogenetic location: 17q25.1.
Variant type: single nucleotide variant.
Coding change: c.2782C>T on transcript NM_199242.3 (MANE Select); coding-DNA position 2782, C replaced by T.
Protein change: p.Arg928Cys; replaces arginine 928 with cysteine.
Molecular consequence: missense variant.
Genome position (GRCh38, 1-based): chr17:75,830,410, G>A on the plus strand (C>T on the coding strand, the complement: UNC13D is on the minus strand). VCF-style: chr17-75830410-G-A. GRCh37 (hg19) VCF-style: chr17-73826491-G-A.
Other names: short protein forms R928C.
Identifiers: ClinVar variation 263234 (VCV000263234.36), dbSNP rs35037984, ClinGen allele CA8772394.
Genomic context (GRCh38, chr17:75,830,410, plus strand): 5'-GCCTCCACTCACCATTGGAGTCCAGGGGCAGCAGGCTGGAGGCGCTGAGCAGCTCCACAC[G>A]CAGCTTCTGCTCAGAGGCGCGGTAGGAGGCCTTGACTGTCACAGCCCCCAGCTCCTCAGA-3'
Protein context (NP_954712.1, residues 918-938): ASYRASEQKL[Arg928Cys]VELLSASSLL